The following is an entry in ClinVar:

ClinVar aggregate classification (germline): Likely benign (1 of 4 stars; one submission).

gnomAD v4.1: 25 of 398,510 alleles (0.0063%); highest among the groups gnomAD compares: South Asian, 0.23%; no homozygotes.

Submission:

CeGaT Center for Human Genetics Tuebingen
Classification: Likely benign. Last evaluated: 2024-11-01. Review status: criteria provided, single submitter. Criteria: CeGaT Center For Human Genetics Tuebingen Variant Classification Criteria Version 2. Collection method: clinical testing. Allele origin: germline. Affected: yes. Observed: 1 variant allele.
Comment: CERT1: BS1

NM_001379002.1(CERT1):c.*9+5158G>A

Gene: CERT1 (ceramide transporter 1; minus strand). Cytogenetic location: 5q13.3.
Variant type: single nucleotide variant.
Coding change: c.*9+5158G>A on transcript NM_001379002.1; 5158 bases into the intron after 9 bases downstream of the stop codon, G replaced by A.
Molecular consequence: intron variant. On other transcripts: 3 prime UTR variant (3), missense variant (1).
Genome position (GRCh38, 1-based): chr5:75,374,179, C>T on the plus strand (G>A on the coding strand, the complement: CERT1 is on the minus strand). VCF-style: chr5-75374179-C-T. GRCh37 (hg19) VCF-style: chr5-74670004-C-T.
Other names: c.*22G>A (NM_001130105.1, NM_005713.3, NM_031361.3); c.1682G>A, p.Arg561Lys (NM_001379004.1); c.*9+5158G>A (NM_001379003.1); short protein forms R561K.
Identifiers: ClinVar variation 3389224 (VCV003389224.14).
Genomic context (GRCh38, chr5:75,374,179, plus strand): 5'-CAGCTTAGAGCATTCAGCTTTTTTTTTTCTTTTTTTCTCCAACATGGAATGTCACACAGC[C>T]TTGCTTCAGTCACTGAAGGAAAAAAAAAAAAAAAAAAGACAAGTAAAAAACTCAGCAGTA-3'